The following is an entry in ClinVar:

NM_001367624.2(ZNF469):c.3478G>A (p.Gly1160Arg)

Gene: ZNF469 (zinc finger protein 469; plus strand). Cytogenetic location: 16q24.2.
Variant type: single nucleotide variant.
Coding change: c.3478G>A on transcript NM_001367624.2 (MANE Select); coding-DNA position 3478, G replaced by A.
Protein change: p.Gly1160Arg; replaces glycine 1160 with arginine.
Molecular consequence: missense variant.
Genome position (GRCh38, 1-based): chr16:88,430,948, G>A. VCF-style: chr16-88430948-G-A. GRCh37 (hg19) VCF-style: chr16-88497356-G-A.
Other names: NM_001127464.1:c.3394G>A; short protein forms G1160R.
Identifiers: ClinVar variation 1525756 (VCV001525756.7), dbSNP rs1011775158, ClinGen allele CA286374907.

ClinVar aggregate classification (germline): Conflicting classifications of pathogenicity. Review status: criteria provided, conflicting classifications (1 of 4 stars). 2 submissions from 2 submitters: Uncertain significance (1); Likely benign (1). Last evaluated 2024-12-03.

Conditions:
Cardiovascular phenotype. Identifiers: MedGen CN230736.

Allele frequency attached by ClinVar (database versions not stated): gnomAD 0.00002.
gnomAD v4.1: 13 of 1,534,858 alleles (0.00085%); highest among the groups gnomAD compares: Admixed American, 0.008%; no homozygotes.

Submissions (2):

Ambry Genetics
Classification: Likely benign for Cardiovascular phenotype. Last evaluated: 2024-12-03. Review status: criteria provided, single submitter. Criteria: Ambry Variant Classification Scheme 2023. Collection method: clinical testing. Allele origin: germline.

Labcorp Genetics (formerly Invitae), Labcorp
Classification: Uncertain significance. Last evaluated: 2023-10-17. Review status: criteria provided, single submitter. Criteria: Invitae Variant Classification Sherloc (09022015). Collection method: clinical testing. Allele origin: germline.
Comment: This sequence change replaces glycine, which is neutral and non-polar, with arginine, which is basic and polar, at codon 1132 of the ZNF469 protein (p.Gly1132Arg). This variant is not present in population databases (gnomAD no frequency). This variant has not been reported in the literature in individuals affected with ZNF469-related conditions. ClinVar contains an entry for this variant (Variation ID: 1525756). Algorithms developed to predict the effect of missense changes on protein structure and function output the following: SIFT: "Not Available"; PolyPhen-2: "Benign"; Align-GVGD: "Not Available". The arginine amino acid residue is found in multiple mammalian species, which suggests that this missense change does not adversely affect protein function. In summary, the available evidence is currently insufficient to determine the role of this variant in disease. Therefore, it has been classified as a Variant of Uncertain Significance.